The following is an entry in ClinVar:

ClinVar aggregate classification (germline): Uncertain significance (1 of 4 stars; one submission).

Submission:

Labcorp Genetics (formerly Invitae), Labcorp
Classification: Uncertain significance. Last evaluated: 2022-06-16. Review status: criteria provided, single submitter. Criteria: Invitae Variant Classification Sherloc (09022015). Collection method: clinical testing. Allele origin: germline.
Comment: In summary, the available evidence is currently insufficient to determine the role of this variant in disease. Therefore, it has been classified as a Variant of Uncertain Significance. Algorithms developed to predict the effect of missense changes on protein structure and function (SIFT, PolyPhen-2, Align-GVGD) all suggest that this variant is likely to be tolerated. This variant has not been reported in the literature in individuals affected with ITPR1-related conditions. This variant is not present in population databases (gnomAD no frequency). This sequence change replaces glutamine, which is neutral and polar, with arginine, which is basic and polar, at codon 333 of the ITPR1 protein (p.Gln333Arg).

NM_001378452.1(ITPR1):c.1043A>G (p.Gln348Arg)

Gene: ITPR1 (inositol 1,4,5-trisphosphate receptor type 1; plus strand). Cytogenetic location: 3p26.1.
Variant type: single nucleotide variant.
Coding change: c.1043A>G on transcript NM_001378452.1 (MANE Select); coding-DNA position 1043, A replaced by G.
Protein change: p.Gln348Arg; replaces glutamine 348 with arginine.
Molecular consequence: missense variant.
Genome position (GRCh38, 1-based): chr3:4,658,170, A>G. VCF-style: chr3-4658170-A-G. GRCh37 (hg19) VCF-style: chr3-4699854-A-G.
Other names: c.1043A>G, p.Gln348Arg (NM_001099952.4); c.998A>G, p.Gln333Arg (NM_001168272.2, NM_002222.7); short protein forms Q333R, Q348R.
Identifiers: ClinVar variation 2080404 (VCV002080404.4), dbSNP rs2470682593, ClinGen allele CA351639645.